The following is an entry in ClinVar:

NM_000562.3(C8A):c.77+5G>C

Gene: C8A (complement C8 alpha chain; plus strand). Cytogenetic location: 1p32.2.
Variant type: single nucleotide variant.
Coding change: c.77+5G>C on transcript NM_000562.3 (MANE Select); 5 bases into the intron after coding-DNA position 77, G replaced by C.
Molecular consequence: intron variant.
Genome position (GRCh38, 1-based): chr1:56,854,983, G>C. VCF-style: chr1-56854983-G-C. GRCh37 (hg19) VCF-style: chr1-57320656-G-C.
Identifiers: ClinVar variation 2088872 (VCV002088872.4), dbSNP rs2522454487, ClinGen allele CA2580063065.

ClinVar aggregate classification (germline): Uncertain significance (1 of 4 stars; one submission).

Submission:

Labcorp Genetics (formerly Invitae), Labcorp
Classification: Uncertain significance. Last evaluated: 2022-01-21. Review status: criteria provided, single submitter. Criteria: Invitae Variant Classification Sherloc (09022015). Collection method: clinical testing. Allele origin: germline.
Comment: This sequence change falls in intron 1 of the C8A gene. It does not directly change the encoded amino acid sequence of the C8A protein. It affects a nucleotide within the consensus splice site. This variant is not present in population databases (gnomAD no frequency). This variant has not been reported in the literature in individuals affected with C8A-related conditions. Variants that disrupt the consensus splice site are a relatively common cause of aberrant splicing (PMID: 17576681, 9536098). Algorithms developed to predict the effect of sequence changes on RNA splicing suggest that this variant may disrupt the consensus splice site. In summary, the available evidence is currently insufficient to determine the role of this variant in disease. Therefore, it has been classified as a Variant of Uncertain Significance.

Literature cited by the submitters: PubMed 17576681; PubMed 9536098.